The following is an entry in ClinVar:

NM_006767.4(LZTR1):c.167G>C (p.Arg56Pro)

Gene: LZTR1 (leucine zipper like post translational regulator 1; plus strand). Cytogenetic location: 22q11.21.
Variant type: single nucleotide variant.
Coding change: c.167G>C on transcript NM_006767.4 (MANE Select); coding-DNA position 167, G replaced by C.
Protein change: p.Arg56Pro; replaces arginine 56 with proline.
Molecular consequence: missense variant.
Genome position (GRCh38, 1-based): chr22:20,982,538, G>C. VCF-style: chr22-20982538-G-C. GRCh37 (hg19) VCF-style: chr22-21336827-G-C.
Other names: short protein forms R56P.
Identifiers: ClinVar variation 4615618 (VCV004615618.1).

ClinVar aggregate classification (germline): Uncertain significance (1 of 4 stars; one submission).

Conditions:
Cardiovascular phenotype. Identifiers: MedGen CN230736.
Hereditary cancer-predisposing syndrome. Also called: Neoplastic Syndromes, Hereditary; Tumor predisposition; Hereditary Cancer Syndrome; Hereditary neoplastic syndrome. Identifiers: Orphanet 140162, MedGen C0027672, MeSH D009386, MONDO:0015356.

Submission:

Ambry Genetics
Classification: Uncertain significance for Cardiovascular phenotype; Hereditary cancer-predisposing syndrome. Last evaluated: 2025-09-27. Review status: criteria provided, single submitter. Criteria: Ambry Variant Classification Scheme 2023. Collection method: clinical testing. Allele origin: germline.
Comment: The p.R56P variant (also known as c.167G>C), located in coding exon 1 of the LZTR1 gene, results from a G to C substitution at nucleotide position 167. The arginine at codon 56 is replaced by proline, an amino acid with dissimilar properties. This amino acid position is conserved. In addition, this alteration is predicted to be deleterious by in silico analysis. Based on the available evidence, the clinical significance of this variant remains unclear.